The following is an entry in ClinVar:

ClinVar aggregate classification (germline): Uncertain significance. Review status: criteria provided, multiple submitters, no conflicts (2 of 4 stars). 2 submissions from 2 submitters: Uncertain significance (2). Last evaluated 2024-01-15.

Conditions:
Mitral valve prolapse, myxomatous 2. Also called: Mitral valve prolapse 2; MMVP2. Identifiers: MedGen C1843003, MONDO:0011915, OMIM 607829.

Allele frequency attached by ClinVar (database versions not stated): TOPMed 0.00002.
gnomAD v4.1: 20 of 1,550,098 alleles (0.0013%); highest among the groups gnomAD compares: African/African-American, 0.0027%; no homozygotes.

Submissions (2):

Labcorp Genetics (formerly Invitae), Labcorp
Classification: Uncertain significance. Last evaluated: 2024-01-15. Review status: criteria provided, single submitter. Criteria: Invitae Variant Classification Sherloc (09022015). Collection method: clinical testing. Allele origin: germline.
Comment: This sequence change replaces arginine, which is basic and polar, with proline, which is neutral and non-polar, at codon 1139 of the DCHS1 protein (p.Arg1139Pro). This variant is present in population databases (rs777617608, gnomAD 0.001%). This variant has not been reported in the literature in individuals affected with DCHS1-related conditions. ClinVar contains an entry for this variant (Variation ID: 1033606). Advanced modeling of protein sequence and biophysical properties (such as structural, functional, and spatial information, amino acid conservation, physicochemical variation, residue mobility, and thermodynamic stability) performed at Invitae indicates that this missense variant is not expected to disrupt DCHS1 protein function with a negative predictive value of 80%. In summary, the available evidence is currently insufficient to determine the role of this variant in disease. Therefore, it has been classified as a Variant of Uncertain Significance.

Baylor Genetics
Classification: Uncertain significance for Mitral valve prolapse, myxomatous 2. Last evaluated: 2018-01-24. Review status: criteria provided, single submitter. Criteria: ACMG Guidelines, 2015. Collection method: clinical testing. Allele origin: paternal. Affected: yes.
Comment: This variant was determined to be of uncertain significance according to ACMG Guidelines, 2015 [PMID:25741868].

NM_003737.4(DCHS1):c.3416G>C (p.Arg1139Pro)

Gene: DCHS1 (dachsous cadherin-related 1; minus strand). Cytogenetic location: 11p15.4.
Variant type: single nucleotide variant.
Coding change: c.3416G>C on transcript NM_003737.4 (MANE Select); coding-DNA position 3416, G replaced by C.
Protein change: p.Arg1139Pro; replaces arginine 1139 with proline.
Molecular consequence: missense variant.
Genome position (GRCh38, 1-based): chr11:6,632,096, C>G on the plus strand (G>C on the coding strand, the complement: DCHS1 is on the minus strand). VCF-style: chr11-6632096-C-G. GRCh37 (hg19) VCF-style: chr11-6653327-C-G.
Other names: short protein forms R1139P.
Identifiers: ClinVar variation 1033606 (VCV001033606.4), dbSNP rs777617608, ClinGen allele CA5860547.